The following is an entry in ClinVar:

ClinVar aggregate classification (germline): Uncertain significance (1 of 4 stars; one submission).

Allele frequency attached by ClinVar (database versions not stated): gnomAD exomes below 0.00001.

Submission:

Labcorp Genetics (formerly Invitae), Labcorp
Classification: Uncertain significance. Last evaluated: 2022-07-25. Review status: criteria provided, single submitter. Criteria: Invitae Variant Classification Sherloc (09022015). Collection method: clinical testing. Allele origin: germline.
Comment: In summary, the available evidence is currently insufficient to determine the role of this variant in disease. Therefore, it has been classified as a Variant of Uncertain Significance. Algorithms developed to predict the effect of missense changes on protein structure and function are either unavailable or do not agree on the potential impact of this missense change (SIFT: "Tolerated"; PolyPhen-2: "Possibly Damaging"; Align-GVGD: "Class C0"). ClinVar contains an entry for this variant (Variation ID: 1490081). This variant has not been reported in the literature in individuals affected with GPR179-related conditions. This variant is not present in population databases (gnomAD no frequency). This sequence change replaces serine, which is neutral and polar, with phenylalanine, which is neutral and non-polar, at codon 1509 of the GPR179 protein (p.Ser1509Phe).

NM_001004334.4(GPR179):c.4526C>T (p.Ser1509Phe)

Gene: GPR179 (G protein-coupled receptor 179; minus strand). Cytogenetic location: 17q12.
Variant type: single nucleotide variant.
Coding change: c.4526C>T on transcript NM_001004334.4 (MANE Select); coding-DNA position 4526, C replaced by T.
Protein change: p.Ser1509Phe; replaces serine 1509 with phenylalanine.
Molecular consequence: missense variant.
Genome position (GRCh38, 1-based): chr17:38,329,043, G>A on the plus strand (C>T on the coding strand, the complement: GPR179 is on the minus strand). VCF-style: chr17-38329043-G-A. GRCh37 (hg19) VCF-style: chr17-36484926-G-A.
Other names: short protein forms S1509F.
Identifiers: ClinVar variation 1490081 (VCV001490081.6), dbSNP rs2144258738, ClinGen allele CA398876682.